The following is an entry in ClinVar:

NM_017617.5(NOTCH1):c.19C>T (p.Pro7Ser)

Genes: NOTCH1 (notch receptor 1; minus strand), LOC130003020 (ATAC-STARR-seq lymphoblastoid silent region 20528; plus strand). Cytogenetic location: 9q34.3.
Variant type: single nucleotide variant.
Coding change: c.19C>T on transcript NM_017617.5 (MANE Select); coding-DNA position 19, C replaced by T.
Protein change: p.Pro7Ser; replaces proline 7 with serine.
Molecular consequence: missense variant.
Genome position (GRCh38, 1-based): chr9:136,545,768, G>A on the plus strand (C>T on the coding strand, the complement: NOTCH1 is on the minus strand). VCF-style: chr9-136545768-G-A. GRCh37 (hg19) VCF-style: chr9-139440220-G-A.
Other names: c.19C>T, p.Pro7Ser (LRG_1122t1); short protein forms P7S.
Identifiers: ClinVar variation 520090 (VCV000520090.15), dbSNP rs1397523469, ClinGen allele CA375579885.
Genomic context (GRCh38, chr9:136,545,768, plus strand): 5'-GGGTGGGTGGGCGCCTACCTCGTGCGGCGAGCGCGGGCAGCAGCGCCAGGCAGAGCAGGG[G>A]CGCCAGGAGCGGCGGCATGCCTCCCCACCGGCTGCCCTCTGCGCCCGGGCGGCGGCCTCC-3'
Protein context (NP_060087.3, residues 1-17): MPPLLA[Pro7Ser]LLCLALLPAL

ClinVar aggregate classification (germline): Conflicting classifications of pathogenicity. Review status: criteria provided, conflicting classifications (1 of 4 stars). 4 submissions from 3 submitters: Uncertain significance (3); Benign (1). Last evaluated 2025-03-04.

Conditions:
Adams-Oliver syndrome 5 (AOS5). Identifiers: Orphanet 974, MedGen C4014970, MONDO:0014459, OMIM 616028.
Familial thoracic aortic aneurysm and aortic dissection (TAAD). Also called: Thoracic aortic aneurysms and dissections. Identifiers: Orphanet 91387, MedGen C4707243, MONDO:0019625.
Aortic valve disease 1 (AOVD1). Identifiers: MedGen C3887892, MONDO:0024523, OMIM 109730.

Allele frequency attached by ClinVar (database versions not stated): TOPMed 0.00002; gnomAD 0.00013.

Submissions (4):

Labcorp Genetics (formerly Invitae), Labcorp
Classification: Benign for Adams-Oliver syndrome 5. Last evaluated: 2025-03-04. Review status: criteria provided, single submitter. Criteria: Invitae Variant Classification Sherloc (09022015). Collection method: clinical testing. Allele origin: germline.

Ambry Genetics
Classification: Uncertain significance for Familial thoracic aortic aneurysm and aortic dissection. Last evaluated: 2023-12-10. Review status: criteria provided, single submitter. Criteria: Ambry Variant Classification Scheme 2023. Collection method: clinical testing. Allele origin: germline.
Comment: The p.P7S variant (also known as c.19C>T), located in coding exon 1 of the NOTCH1 gene, results from a C to T substitution at nucleotide position 19. The proline at codon 7 is replaced by serine, an amino acid with similar properties. This amino acid position is highly conserved in available vertebrate species. In addition, this alteration is predicted to be tolerated by in silico analysis. Since supporting evidence is limited at this time, the clinical significance of this alteration remains unclear.

Genome-Nilou Lab
Classification: Uncertain significance for Adams-Oliver syndrome 5. Last evaluated: 2022-03-15. Review status: criteria provided, single submitter. Criteria: ACMG Guidelines, 2015. Collection method: clinical testing. Allele origin: germline. Affected: no.

Genome-Nilou Lab
Classification: Uncertain significance for Aortic valve disease 1. Last evaluated: 2022-03-15. Review status: criteria provided, single submitter. Criteria: ACMG Guidelines, 2015. Collection method: clinical testing. Allele origin: germline. Affected: no.